The following is an entry in ClinVar:

ClinVar aggregate classification (germline): Uncertain significance (1 of 4 stars; one submission).

Conditions:
Hereditary cancer-predisposing syndrome. Also called: Neoplastic Syndromes, Hereditary; Tumor predisposition; Hereditary neoplastic syndrome; Hereditary Cancer Syndrome. Identifiers: Orphanet 140162, MedGen C0027672, MeSH D009386, MONDO:0015356.

Submission:

Ambry Genetics
Classification: Uncertain significance for Hereditary cancer-predisposing syndrome. Last evaluated: 2025-05-05. Review status: criteria provided, single submitter. Criteria: Ambry Variant Classification Scheme 2023. Collection method: clinical testing. Allele origin: germline.
Comment: The p.G110V variant (also known as c.329G>T), located in coding exon 1 of the MEN1 gene, results from a G to T substitution at nucleotide position 329. The glycine at codon 110 is replaced by valine, an amino acid with dissimilar properties. This amino acid position is conserved. In addition, the in silico prediction for this alteration is inconclusive. Based on the available evidence, the clinical significance of this variant remains unclear.

NM_001370259.2(MEN1):c.329G>T (p.Gly110Val)

Gene: MEN1 (menin 1; minus strand). Cytogenetic location: 11q13.1.
Variant type: single nucleotide variant.
Coding change: c.329G>T on transcript NM_001370259.2 (MANE Select); coding-DNA position 329, G replaced by T.
Protein change: p.Gly110Val; replaces glycine 110 with valine.
Molecular consequence: missense variant. On other transcripts: non-coding transcript variant (4).
Genome position (GRCh38, 1-based): chr11:64,809,781, C>A on the plus strand (G>T on the coding strand, the complement: MEN1 is on the minus strand). VCF-style: chr11-64809781-C-A. GRCh37 (hg19) VCF-style: chr11-64577253-C-A.
Other names: c.329G>T, p.Gly110Val (NM_001370260.2, NM_001370261.2, NM_001370262.2 and 20 more transcripts); short protein forms G110V.
Identifiers: ClinVar variation 4053803 (VCV004053803.1).
Genomic context (GRCh38, chr11:64,809,781, plus strand): 5'-CTGAGGCTGTTCCATATGACATCGGAGACCTTCTTCACCAGCTCACGGCTGGAGACACCC[C>A]CTTCTCGAGGATAGAGGGACAGGTCGACGGCGCCTCGGATCTGGGCGGTGAAGCGGGCAT-3'
Protein context (NP_001357188.2, residues 100-120): AVDLSLYPRE[Gly110Val]GVSSRELVKK